The following is an entry in ClinVar:

NM_001382.4(DPAGT1):c.1193G>A (p.Arg398Gln)

Gene: DPAGT1 (dolichyl-phosphate N-acetylglucosaminephosphotransferase 1; minus strand). Cytogenetic location: 11q23.3.
Variant type: single nucleotide variant.
Coding change: c.1193G>A on transcript NM_001382.4 (MANE Select); coding-DNA position 1193, G replaced by A.
Protein change: p.Arg398Gln; replaces arginine 398 with glutamine.
Molecular consequence: missense variant.
Genome position (GRCh38, 1-based): chr11:119,097,032, C>T on the plus strand (G>A on the coding strand, the complement: DPAGT1 is on the minus strand). VCF-style: chr11-119097032-C-T. GRCh37 (hg19) VCF-style: chr11-118967742-C-T.
Other names: short protein forms R398Q.
Identifiers: ClinVar variation 838195 (VCV000838195.13), dbSNP rs747825322, ClinGen allele CA6314423.

ClinVar aggregate classification (germline): Uncertain significance. Review status: criteria provided, multiple submitters, no conflicts (2 of 4 stars). 3 submissions from 3 submitters: Uncertain significance (3). Last evaluated 2023-07-19.

Conditions:
DPAGT1-congenital disorder of glycosylation. Also called: DPAGT1-CDG; CONGENITAL DISORDER OF GLYCOSYLATION, TYPE Ij; CDG Ij. Identifiers: Orphanet 86309, MedGen C2931004, MONDO:0011964, OMIM 608093.
Congenital myasthenic syndrome 13 (CMS13). Also called: Myasthenic syndrome, congenital, 13, with tubular aggregates; Myasthenic syndrome, congenital, with tubular aggregates 2. Identifiers: Orphanet 353327, Orphanet 590, MedGen C3553645, MONDO:0013883, OMIM 614750.

Allele frequency attached by ClinVar (database versions not stated): ExAC 0.00001; gnomAD 0.00002; gnomAD exomes 0.00002; TOPMed 0.00002.

Submissions (3):

Revvity Omics, Revvity
Classification: Uncertain significance. Last evaluated: 2023-07-19. Review status: criteria provided, single submitter. Criteria: ACMG Guidelines, 2015. Collection method: clinical testing. Allele origin: germline.

Labcorp Genetics (formerly Invitae), Labcorp
Classification: Uncertain significance for Congenital myasthenic syndrome 13; DPAGT1-congenital disorder of glycosylation. Last evaluated: 2022-08-03. Review status: criteria provided, single submitter. Criteria: Invitae Variant Classification Sherloc (09022015). Collection method: clinical testing. Allele origin: germline.
Comment: In summary, the available evidence is currently insufficient to determine the role of this variant in disease. Therefore, it has been classified as a Variant of Uncertain Significance. Algorithms developed to predict the effect of missense changes on protein structure and function are either unavailable or do not agree on the potential impact of this missense change (SIFT: "Deleterious"; PolyPhen-2: "Probably Damaging"; Align-GVGD: "Class C0"). ClinVar contains an entry for this variant (Variation ID: 838195). This variant has not been reported in the literature in individuals affected with DPAGT1-related conditions. This variant is present in population databases (rs747825322, gnomAD 0.006%). This sequence change replaces arginine, which is basic and polar, with glutamine, which is neutral and polar, at codon 398 of the DPAGT1 protein (p.Arg398Gln).

Illumina Laboratory Services, Illumina
Classification: Uncertain significance for DPAGT1-congenital disorder of glycosylation. Last evaluated: 2018-01-13. Review status: criteria provided, single submitter. Criteria: ICSL Variant Classification Criteria 13 December 2019. Collection method: clinical testing. Allele origin: germline.